The following is an entry in ClinVar:

NM_000169.3(GLA):c.59_84del (p.Ala20fs)

Genes: GLA (galactosidase alpha; minus strand), RPL36A-HNRNPH2 (RPL36A-HNRNPH2 readthrough; plus strand). Cytogenetic location: Xq22.1.
Variant type: Deletion.
Coding change: c.59_84del on transcript NM_000169.3 (MANE Select); coding-DNA positions 59 to 84, 26 bases deleted (CCCTCGTTTCCTGGGACATCCCTGGG).
Protein change: p.Ala20fs; shifts the reading frame from alanine 20.
Molecular consequence: frameshift variant. On other transcripts: non-coding transcript variant (3), intron variant (2).
Genome position (GRCh38, 1-based): chrX:101,407,820-101,407,845, CCCAGGGATGTCCCAGGAAACGAGGG deleted on the plus strand (CCCTCGTTTCCTGGGACATCCCTGGG on the coding strand, the reverse complement: GLA is on the minus strand); deleting any 26 consecutive bases within chrX:101,407,820-101,407,847 gives the same sequence; the c. name uses the placement nearest the transcript's 3' end. VCF-style (leftmost placement, unchanged base first): chrX-101407819-CCCCAGGGATGTCCCAGGAAACGAGGG-C. GRCh37 (hg19) VCF-style: chrX-100662807-CCCCAGGGATGTCCCAGGAAACGAGGG-C.
Other names: c.57_82del26, p.Ala20Glyfs (NM_000169.2); c.59_84del, p.Ala20fs (NM_001406747.1, NM_001406748.1, NM_001406749.1); c.301-4114_301-4089del (NM_001199973.2); c.178-4114_178-4089del (NM_001199974.2); c.59_84del (NM_000169.2); short protein forms A20fs.
Identifiers: ClinVar variation 497744 (VCV000497744.11), dbSNP rs1555987162, ClinGen allele CA658799819.

ClinVar aggregate classification (germline): Pathogenic. Review status: criteria provided, multiple submitters, no conflicts (2 of 4 stars). 4 submissions from 4 submitters: Pathogenic (4). Last evaluated 2026-09-08.

Conditions:
Fabry disease. Also called: GLA DEFICIENCY; Fabry's disease; ALPHA-GALACTOSIDASE A DEFICIENCY; ANDERSON-FABRY DISEASE; CERAMIDE TRIHEXOSIDASE DEFICIENCY; Ceramide trihexosidosis. Identifiers: Orphanet 324, MedGen C0002986, MONDO:0010526, OMIM 301500, HP:0001071. Disease mechanism: Fabry disease is due to inactivating mutations in the X-linked GLA gene resulting in deficiency of the enzyme Alpha Galactosidase-A., loss of function.

Submissions (4):

Genomenon, Inc
Classification: Pathogenic for Fabry disease. Last evaluated: 2026-09-08. Review status: criteria provided, single submitter. Criteria: Genomenon Sequence Variant Interpretation Standards - Updated. Collection method: curation. Allele origin: germline. Affected: yes.
Comment: GLA p.Ala20GlyfsTer2 (c.59_84del) is a frameshift variant that is predicted to introduce a premature termination codon and result in a truncated or absent protein product. This variant has been observed in at least one proband with clinical features consistent with Fabry disease (PMID:25900714;15713906;27992580;11105184;10649504). It is absent or not present at a significant frequency in gnomAD. In conclusion, we classify GLA p.Ala20GlyfsTer2 (c.59_84del) as a pathogenic variant.

Revvity Omics, Revvity
Classification: Pathogenic. Last evaluated: 2024-02-22. Review status: criteria provided, single submitter. Criteria: ACMG Guidelines, 2015. Collection method: clinical testing. Allele origin: germline.

Labcorp Genetics (formerly Invitae), Labcorp
Classification: Pathogenic for Fabry disease. Last evaluated: 2022-12-23. Review status: criteria provided, single submitter. Criteria: Invitae Variant Classification Sherloc (09022015). Collection method: clinical testing. Allele origin: germline.
Comment: This sequence change creates a premature translational stop signal (p.Ala20Glyfs*2) in the GLA gene. It is expected to result in an absent or disrupted protein product. Loss-of-function variants in GLA are known to be pathogenic (PMID: 10666480, 12175777). This variant is not present in population databases (gnomAD no frequency). This premature translational stop signal has been observed in individual(s) with Fabry disease (PMID: 10649504). This variant is also known as 1238del26. ClinVar contains an entry for this variant (Variation ID: 497744). For these reasons, this variant has been classified as Pathogenic.

Eurofins Ntd Llc (ga)
Classification: Pathogenic. Last evaluated: 2018-07-19. Review status: criteria provided, single submitter. Criteria: EGL ClinVar v180209 classification definitions. Collection method: clinical testing. Allele origin: germline. Observed: 3 variant alleles, 3 heterozygotes.

Literature cited by the submitters: PubMed 25900714 (cited by Genomenon, Inc); PubMed 15713906 (cited by Genomenon, Inc); PubMed 27992580 (cited by Genomenon, Inc); PubMed 11105184 (cited by Genomenon, Inc); PubMed 10649504 (cited by Genomenon, Inc and Labcorp Genetics (formerly Invitae), Labcorp); PubMed 10666480 (cited by Labcorp Genetics (formerly Invitae), Labcorp); PubMed 12175777 (cited by Labcorp Genetics (formerly Invitae), Labcorp).